The following is an entry in ClinVar:

ClinVar aggregate classification (germline): Uncertain significance (1 of 4 stars; one submission).

Allele frequency attached by ClinVar (database versions not stated): gnomAD 0.00004; gnomAD exomes 0.00004; TOPMed 0.00005; ExAC 0.00006; ESP Exome Variant Server 0.00008.
gnomAD v4.1: 66 of 1,613,836 alleles (0.0041%); highest among the groups gnomAD compares: African/African-American, 0.011%; no homozygotes.

Submission:

Labcorp Genetics (formerly Invitae), Labcorp
Classification: Uncertain significance. Last evaluated: 2024-10-21. Review status: criteria provided, single submitter. Criteria: Invitae Variant Classification Sherloc (09022015). Collection method: clinical testing. Allele origin: germline.
Comment: This sequence change replaces arginine, which is basic and polar, with tryptophan, which is neutral and slightly polar, at codon 1251 of the CDK13 protein (p.Arg1251Trp). This variant is present in population databases (rs142580514, gnomAD 0.01%). This variant has not been reported in the literature in individuals affected with CDK13-related conditions. ClinVar contains an entry for this variant (Variation ID: 2058081). Invitae Evidence Modeling of protein sequence and biophysical properties (such as structural, functional, and spatial information, amino acid conservation, physicochemical variation, residue mobility, and thermodynamic stability) indicates that this missense variant is not expected to disrupt CDK13 protein function with a negative predictive value of 95%. In summary, the available evidence is currently insufficient to determine the role of this variant in disease. Therefore, it has been classified as a Variant of Uncertain Significance.

NM_003718.5(CDK13):c.3751C>T (p.Arg1251Trp)

Gene: CDK13 (cyclin dependent kinase 13; plus strand). Cytogenetic location: 7p14.1.
Variant type: single nucleotide variant.
Coding change: c.3751C>T on transcript NM_003718.5 (MANE Select); coding-DNA position 3751, C replaced by T.
Protein change: p.Arg1251Trp; replaces arginine 1251 with tryptophan.
Molecular consequence: missense variant.
Genome position (GRCh38, 1-based): chr7:40,094,192, C>T. VCF-style: chr7-40094192-C-T. GRCh37 (hg19) VCF-style: chr7-40133791-C-T.
Other names: c.3571C>T, p.Arg1191Trp (NM_031267.4); short protein forms R1251W, R1191W.
Identifiers: ClinVar variation 2058081 (VCV002058081.4), dbSNP rs142580514, ClinGen allele CA4229006.